The following is an entry in ClinVar:

NM_153827.5(MINK1):c.3749A>C (p.Gln1250Pro)

Gene: MINK1 (misshapen like kinase 1; plus strand). Cytogenetic location: 17p13.2.
Variant type: single nucleotide variant.
Coding change: c.3749A>C on transcript NM_153827.5 (MANE Select); coding-DNA position 3749, A replaced by C.
Protein change: p.Gln1250Pro; replaces glutamine 1250 with proline.
Molecular consequence: missense variant.
Genome position (GRCh38, 1-based): chr17:4,896,562, A>C. VCF-style: chr17-4896562-A-C. GRCh37 (hg19) VCF-style: chr17-4799857-A-C.
Other names: c.3689A>C, p.Gln1230Pro (NM_001024937.4); c.3473A>C, p.Gln1158Pro (NM_001321236.2); c.3638A>C, p.Gln1213Pro (NM_015716.5); c.3662A>C, p.Gln1221Pro (NM_170663.5); short protein forms Q1158P, Q1213P, Q1221P, Q1230P, Q1250P.
Identifiers: ClinVar variation 2626967 (VCV002626967.1), dbSNP rs2509238885, ClinGen allele CA397294330.
Genomic context (GRCh38, chr17:4,896,562, plus strand): 5'-ACGAGGACGAGGGTGTCTACGTCAACACGTACGGGCGCATCATTAAGGATGTGGTGCTGC[A>C]GTGGGGGGAGATGCCTACTTCTGTGGGTGAGTGAGCTGCCGCCCTCCCAGCCACATGCCC-3'
Protein context (NP_722549.2, residues 1240-1260): YGRIIKDVVL[Gln1250Pro]WGEMPTSVAY

ClinVar aggregate classification (germline): Uncertain significance (1 of 4 stars; one submission).

Submission:

Greenwood Genetic Center Diagnostic Laboratories, Greenwood Genetic Center
Classification: Uncertain significance. Last evaluated: 2023-09-27. Review status: criteria provided, single submitter. Criteria: ACMG Guidelines, 2015. Collection method: clinical testing. Allele origin: germline. Affected: yes.
Comment: Gene of Uncertain Significance